The following is an entry in ClinVar:

NM_001351132.2(PEX5):c.*141G>A

Gene: PEX5 (peroxisomal biogenesis factor 5; plus strand). Cytogenetic location: 12p13.31.
Variant type: single nucleotide variant.
Coding change: c.*141G>A on transcript NM_001351132.2 (MANE Select); 141 bases downstream of the stop codon, G replaced by A.
Molecular consequence: 3 prime UTR variant. On other transcripts: intron variant (2).
Genome position (GRCh38, 1-based): chr12:7,210,364, G>A. VCF-style: chr12-7210364-G-A. GRCh37 (hg19) VCF-style: chr12-7362960-G-A.
Other names: NC_000012.11:g.7362960G>A; c.*141G>A (NM_001300789.3, NM_001351124.3, NM_001351126.2 and 20 more transcripts); c.*19+122G>A (NM_001131026.2, NM_001374646.1).
Identifiers: ClinVar variation 310440 (VCV000310440.8), dbSNP rs3813737, ClinGen allele CA10633561.

ClinVar aggregate classification (germline): Benign. Review status: criteria provided, multiple submitters, no conflicts (2 of 4 stars). 3 submissions from 3 submitters: Benign (3). Last evaluated 2018-09-26.

Conditions:
Peroxisome biogenesis disorder 2A (Zellweger) (PBD2A). Also called: Cerebrohepatorenal syndrome, variant types. Identifiers: Orphanet 912, MedGen C3550273, MONDO:0008954, OMIM 214110.

Allele frequency attached by ClinVar (database versions not stated): 1000 Genomes Project 30x 0.10634; 1000 Genomes Project 0.10843; TOPMed 0.12927; gnomAD 0.14722 and 0.14801; gnomAD exomes 0.17890.
gnomAD v4.1: 128,179 of 745,444 alleles (17%); highest among the groups gnomAD compares: Non-Finnish European, 20%; 12,194 homozygotes.

Submissions (8):

GeneDx
Classification: Benign. Last evaluated: 2018-09-26. Review status: criteria provided, single submitter. Criteria: GeneDx Variant Classification Process June 2021. Collection method: clinical testing. Allele origin: germline. Affected: yes.

Illumina Laboratory Services, Illumina
Classification: Benign for Peroxisome biogenesis disorder 2A (Zellweger). Last evaluated: 2018-01-13. Review status: criteria provided, single submitter. Criteria: ICSL Variant Classification Criteria 13 December 2019. Collection method: clinical testing. Allele origin: germline.
Comment: This variant was observed in the ICSL laboratory as part of a predisposition screen in an ostensibly healthy population. It had not been previously curated by ICSL or reported in the Human Gene Mutation Database (HGMD: prior to June 1st, 2018), and was therefore a candidate for classification through an automated scoring system. Utilizing variant allele frequency, disease prevalence and penetrance estimates, and inheritance mode, an automated score was calculated to assess if this variant is too frequent to cause the disease. Based on the score and internal cut-off values, a variant classified as benign is not then subjected to further curation. The score for this variant resulted in a classification of benign for this disease.

Breakthrough Genomics
Classification: Benign. Review status: criteria provided, single submitter. Criteria: ACMG Guidelines, 2015. Collection method: not provided. Allele origin: germline. Inheritance: Autosomal recessive inheritance. Affected: yes.

Dr. Peter K. Rogan Lab, Western University
No classification provided (evidence only). Condition: Nonpapillary renal cell carcinoma. Review status: no classification provided. Collection method: in vitro. Allele origin: not applicable. Functional consequence: retained intron. Not counted in ClinVar's aggregate classification.

Dr. Peter K. Rogan Lab, Western University
No classification provided (evidence only). Condition: Nonpapillary renal cell carcinoma. Review status: no classification provided. Collection method: in vitro. Allele origin: not applicable. Functional consequence: retained intron. Not counted in ClinVar's aggregate classification.

Dr. Peter K. Rogan Lab, Western University
No classification provided (evidence only). Condition: Cholangiocarcinoma. Review status: no classification provided. Collection method: in vitro. Allele origin: not applicable. Functional consequence: retained intron. Not counted in ClinVar's aggregate classification.

Dr. Peter K. Rogan Lab, Western University
No classification provided (evidence only). Condition: Uterine carcinosarcoma. Review status: no classification provided. Collection method: in vitro. Allele origin: not applicable. Functional consequence: retained intron. Not counted in ClinVar's aggregate classification.

Dr. Peter K. Rogan Lab, Western University
No classification provided (evidence only). Condition: Uterine carcinosarcoma. Review status: no classification provided. Collection method: in vitro. Allele origin: not applicable. Functional consequence: retained intron. Not counted in ClinVar's aggregate classification.